The following is an entry in ClinVar:

NM_014014.5(SNRNP200):c.1436A>G (p.Lys479Arg)

Gene: SNRNP200 (small nuclear ribonucleoprotein U5 subunit 200; minus strand). Cytogenetic location: 2q11.2.
Variant type: single nucleotide variant.
Coding change: c.1436A>G on transcript NM_014014.5 (MANE Select); coding-DNA position 1436, A replaced by G.
Protein change: p.Lys479Arg; replaces lysine 479 with arginine.
Molecular consequence: missense variant.
Genome position (GRCh38, 1-based): chr2:96,297,012, T>C on the plus strand (A>G on the coding strand, the complement: SNRNP200 is on the minus strand). VCF-style: chr2-96297012-T-C. GRCh37 (hg19) VCF-style: chr2-96962750-T-C.
Other names: short protein forms K479R.
Identifiers: ClinVar variation 1308715 (VCV001308715.4), dbSNP rs765401239, ClinGen allele CA1778934.

ClinVar aggregate classification (germline): Uncertain significance. Review status: criteria provided, multiple submitters, no conflicts (2 of 4 stars). 3 submissions from 3 submitters: Uncertain significance (3). Last evaluated 2024-01-23.

Conditions:
Inborn genetic diseases. Identifiers: MedGen C0950123, MeSH D030342.

Allele frequency attached by ClinVar (database versions not stated): gnomAD exomes below 0.00001 and 0.00001; ExAC 0.00002.

Submissions (3):

Ambry Genetics
Classification: Uncertain significance for Inborn genetic diseases. Last evaluated: 2024-01-23. Review status: criteria provided, single submitter. Criteria: Ambry Variant Classification Scheme 2023. Collection method: clinical testing. Allele origin: germline.

GeneDx
Classification: Uncertain significance. Last evaluated: 2019-09-25. Review status: criteria provided, single submitter. Criteria: GeneDx Variant Classification Process June 2021. Collection method: clinical testing. Allele origin: germline. Affected: yes.
Comment: In silico analysis, which includes protein predictors and evolutionary conservation, supports that this variant does not alter protein structure/function; Has not been previously published as pathogenic or benign to our knowledge

Blueprint Genetics
Classification: Uncertain significance. Last evaluated: 2018-11-09. Review status: criteria provided, single submitter. Criteria: ACMG Guidelines, 2015. Collection method: clinical testing. Allele origin: germline.